The following is an entry in ClinVar:

ClinVar aggregate classification (germline): Uncertain significance (1 of 4 stars; one submission).

Allele frequency attached by ClinVar (database versions not stated): gnomAD exomes below 0.00001.
gnomAD v4.1: 1 of 1,614,130 alleles (0.000062%); highest among the groups gnomAD compares: Middle Eastern, 0.016%; no homozygotes.

Submission:

Labcorp Genetics (formerly Invitae), Labcorp
Classification: Uncertain significance. Last evaluated: 2022-09-02. Review status: criteria provided, single submitter. Criteria: Invitae Variant Classification Sherloc (09022015). Collection method: clinical testing. Allele origin: germline.
Comment: In summary, the available evidence is currently insufficient to determine the role of this variant in disease. Therefore, it has been classified as a Variant of Uncertain Significance. Algorithms developed to predict the effect of missense changes on protein structure and function output the following: SIFT: "Tolerated"; PolyPhen-2: "Benign"; Align-GVGD: "Class C0". The lysine amino acid residue is found in multiple mammalian species, which suggests that this missense change does not adversely affect protein function. This variant has not been reported in the literature in individuals affected with MICAL1-related conditions. This variant is not present in population databases (gnomAD no frequency). This sequence change replaces glutamic acid, which is acidic and polar, with lysine, which is basic and polar, at codon 671 of the MICAL1 protein (p.Glu671Lys).

NM_022765.4(MICAL1):c.1954G>A (p.Glu652Lys)

Gene: MICAL1 (microtubule associated monooxygenase, calponin and LIM domain containing 1; minus strand). Cytogenetic location: 6q21.
Variant type: single nucleotide variant.
Coding change: c.1954G>A on transcript NM_022765.4 (MANE Select); coding-DNA position 1954, G replaced by A.
Protein change: p.Glu652Lys; replaces glutamic acid 652 with lysine.
Molecular consequence: missense variant.
Genome position (GRCh38, 1-based): chr6:109,447,713, C>T on the plus strand (G>A on the coding strand, the complement: MICAL1 is on the minus strand). VCF-style: chr6-109447713-C-T. GRCh37 (hg19) VCF-style: chr6-109768916-C-T.
Other names: c.1696G>A, p.Glu566Lys (NM_001159291.2); c.2011G>A, p.Glu671Lys (NM_001286613.2); short protein forms E566K, E652K, E671K.
Identifiers: ClinVar variation 2100274 (VCV002100274.4), dbSNP rs2482783126, ClinGen allele CA365226269.